The following is an entry in ClinVar:

ClinVar aggregate classification (germline): Uncertain significance (1 of 4 stars; one submission).

Conditions:
BAP1-related tumor predisposition syndrome (TPDS1). Also called: BAP1 tumor predisposition syndrome; Tumor susceptibility linked to germline BAP1 mutations; COMMON Syndrome; TUMOR PREDISPOSITION SYNDROME 1. Identifiers: Orphanet 289539, MedGen C3280492, MONDO:0013692, OMIM 614327.

Submission:

Labcorp Genetics (formerly Invitae), Labcorp
Classification: Uncertain significance for BAP1-related tumor predisposition syndrome. Last evaluated: 2022-08-05. Review status: criteria provided, single submitter. Criteria: Invitae Variant Classification Sherloc (09022015). Collection method: clinical testing. Allele origin: germline.
Comment: This sequence change replaces leucine, which is neutral and non-polar, with proline, which is neutral and non-polar, at codon 575 of the BAP1 protein (p.Leu575Pro). This variant is not present in population databases (gnomAD no frequency). This variant has not been reported in the literature in individuals affected with BAP1-related conditions. Algorithms developed to predict the effect of missense changes on protein structure and function (SIFT, PolyPhen-2, Align-GVGD) all suggest that this variant is likely to be tolerated. In summary, the available evidence is currently insufficient to determine the role of this variant in disease. Therefore, it has been classified as a Variant of Uncertain Significance.

NM_004656.4(BAP1):c.1724T>C (p.Leu575Pro)

Gene: BAP1 (BRCA1 associated deubiquitinase 1; minus strand). Cytogenetic location: 3p21.1.
Variant type: single nucleotide variant.
Coding change: c.1724T>C on transcript NM_004656.4 (MANE Select); coding-DNA position 1724, T replaced by C.
Protein change: p.Leu575Pro; replaces leucine 575 with proline.
Molecular consequence: missense variant.
Genome position (GRCh38, 1-based): chr3:52,403,421, A>G on the plus strand (T>C on the coding strand, the complement: BAP1 is on the minus strand). VCF-style: chr3-52403421-A-G. GRCh37 (hg19) VCF-style: chr3-52437437-A-G.
Other names: c.1670T>C, p.Leu557Pro (NM_001410772.1); short protein forms L557P, L575P.
Identifiers: ClinVar variation 1715078 (VCV001715078.6), dbSNP rs2153226570, ClinGen allele CA353099532.